The following is an entry in ClinVar:

NM_001165963.4(SCN1A):c.3092A>G (p.Tyr1031Cys)

Genes: SCN1A (sodium voltage-gated channel alpha subunit 1; minus strand), LOC102724058 (uncharacterized LOC102724058; plus strand). Cytogenetic location: 2q24.3.
Variant type: single nucleotide variant.
Coding change: c.3092A>G on transcript NM_001165963.4 (MANE Select); coding-DNA position 3092, A replaced by G.
Protein change: p.Tyr1031Cys; replaces tyrosine 1031 with cysteine.
Molecular consequence: missense variant. On other transcripts: non-coding transcript variant (2).
Genome position (GRCh38, 1-based): chr2:166,036,385, T>C on the plus strand (A>G on the coding strand, the complement: SCN1A is on the minus strand). VCF-style: chr2-166036385-T-C. GRCh37 (hg19) VCF-style: chr2-166892895-T-C.
Other names: c.3008A>G, p.Tyr1003Cys (NM_001165964.3, NM_001353957.2, NM_001353958.2); c.3092A>G, p.Tyr1031Cys (NM_001202435.3, NM_001353948.2); c.3059A>G, p.Tyr1020Cys (NM_001353949.2, NM_001353950.2, NM_001353951.2 and 2 more transcripts); c.3056A>G, p.Tyr1019Cys (NM_001353954.2, NM_001353955.2); c.3005A>G, p.Tyr1002Cys (NM_001353960.2); c.650A>G, p.Tyr217Cys (NM_001353961.2); short protein forms Y1002C, Y1003C, Y1019C, Y1020C, Y1031C, Y217C.
Identifiers: ClinVar variation 1308846 (VCV001308846.2), dbSNP rs2105796301, ClinGen allele CA349060038.

ClinVar aggregate classification (germline): Uncertain significance (1 of 4 stars; one submission).

Submission:

GeneDx
Classification: Uncertain significance. Last evaluated: 2019-10-02. Review status: criteria provided, single submitter. Criteria: GeneDx Variant Classification Process June 2021. Collection method: clinical testing. Allele origin: germline. Affected: yes.
Comment: Not observed in large population cohorts (Lek et al., 2016); The majority of missense variants in this gene are considered pathogenic (Stenson et al., 2014); This substitution is predicted to be in the cytoplasmic loop between the second and third homologous domains; In silico analysis, which includes protein predictors and evolutionary conservation, supports that this variant does not alter protein structure/function; Has not been previously published as pathogenic or benign to our knowledge